The following is an entry in ClinVar:

ClinVar aggregate classification (germline): Pathogenic. Review status: criteria provided, multiple submitters, no conflicts (2 of 4 stars). 3 submissions from 3 submitters: Pathogenic (3). Last evaluated 2023-12-28.

Conditions:
Sotos syndrome (SOTOS). Also called: CHROMOSOME 5q35 DELETION SYNDROME; CEREBRAL GIGANTISM; Sotos' syndrome; SOTOS SYNDROME 1; Distinctive facial appearance, overgrowth in childhood, and learning disabilities or delayed development. Identifiers: Orphanet 821, MedGen C0175695, MONDO:0019349, OMIM 117550.

Submissions (3):

GeneDx
Classification: Pathogenic. Last evaluated: 2023-12-28. Review status: criteria provided, single submitter. Criteria: GeneDx Variant Classification Process June 2021. Collection method: clinical testing. Allele origin: germline. Affected: yes.
Comment: Frameshift variant predicted to result in protein truncation or nonsense mediated decay in a gene for which loss of function is a known mechanism of disease; Not observed at significant frequency in large population cohorts (gnomAD); This variant is associated with the following publications: (PMID: 17565729)

Genome-Nilou Lab
Classification: Pathogenic for Sotos syndrome. Last evaluated: 2021-07-15. Review status: criteria provided, single submitter. Criteria: ACMG Guidelines, 2015. Collection method: clinical testing. Allele origin: germline. Affected: no.

Labcorp Genetics (formerly Invitae), Labcorp
Classification: Pathogenic. Last evaluated: 2018-11-20. Review status: criteria provided, single submitter. Criteria: Invitae Variant Classification Sherloc (09022015). Collection method: clinical testing. Allele origin: germline.
Comment: This sequence change creates a premature translational stop signal (p.Cys1674Alafs*61) in the NSD1 gene. It is expected to result in an absent or disrupted protein product. This variant is not present in population databases (ExAC no frequency). For these reasons, this variant has been classified as Pathogenic. Loss-of-function variants in NSD1 are known to be pathogenic (PMID: 12464997, 14571271, 15942875, 16247291). This variant has been observed to be de novo in an individual affected with Sotos syndrome (PMID: 17565729).

Literature cited by the submitters: PubMed 12464997 (cited by Labcorp Genetics (formerly Invitae), Labcorp); PubMed 14571271 (cited by Labcorp Genetics (formerly Invitae), Labcorp); PubMed 15942875 (cited by Labcorp Genetics (formerly Invitae), Labcorp); PubMed 16247291 (cited by Labcorp Genetics (formerly Invitae), Labcorp); PubMed 17565729 (cited by Labcorp Genetics (formerly Invitae), Labcorp).

NM_022455.5(NSD1):c.5020del (p.Cys1674fs)

Gene: NSD1 (nuclear receptor binding SET domain protein 1; plus strand). Cytogenetic location: 5q35.3.
Variant type: Deletion.
Coding change: c.5020del on transcript NM_022455.5 (MANE Select); coding-DNA position 5020, one base deleted (T; older notation c.5020delT).
Protein change: p.Cys1674fs; shifts the reading frame from cysteine 1674.
Molecular consequence: frameshift variant.
Genome position (GRCh38, 1-based): chr5:177,260,042, T deleted; the last of 4 consecutive T bases (chr5:177,260,039-177,260,042); deleting any one gives the same sequence. VCF-style (leftmost placement, unchanged base first): chr5-177260038-CT-C. GRCh37 (hg19) VCF-style: chr5-176687039-CT-C.
Other names: c.5020del (NM_022455.4); c.4147delT, p.Cys1383Alafs (NM_001365684.2, NM_001409308.1, NM_001409309.1 and 1 more transcripts); c.5020delT, p.Cys1674Alafs (NM_001409301.1, NM_001409302.1, NM_001409303.1); c.4600delT, p.Cys1534Alafs (NM_001409304.1); c.4267delT, p.Cys1423Alafs (NM_001409305.1); c.4258delT, p.Cys1420Alafs (NM_001409306.1, NM_001409307.1); short protein forms C1405fs, C1674fs.
Identifiers: ClinVar variation 657642 (VCV000657642.13), dbSNP rs1581468355, ClinGen allele CA915942755.